The following is an entry in ClinVar:

NM_005188.4(CBL):c.2435A>G (p.Asn812Ser)

Gene: CBL (Cbl proto-oncogene; plus strand). Cytogenetic location: 11q23.3.
Variant type: single nucleotide variant.
Coding change: c.2435A>G on transcript NM_005188.4 (MANE Select); coding-DNA position 2435, A replaced by G.
Protein change: p.Asn812Ser; replaces asparagine 812 with serine.
Molecular consequence: missense variant.
Genome position (GRCh38, 1-based): chr11:119,299,495, A>G. VCF-style: chr11-119299495-A-G. GRCh37 (hg19) VCF-style: chr11-119170205-A-G.
Other names: short protein forms N812S.
Identifiers: ClinVar variation 5033725 (VCV005033725.1).

ClinVar aggregate classification (germline): Uncertain significance (1 of 4 stars; one submission).

Conditions:
Cardiovascular phenotype. Identifiers: MedGen CN230736.

gnomAD v4.1: 1 of 1,613,840 alleles (0.000062%); highest among the groups gnomAD compares: Non-Finnish European, 0.000085%; no homozygotes.

Submission:

Ambry Genetics
Classification: Uncertain significance for Cardiovascular phenotype. Last evaluated: 2026-06-26. Review status: criteria provided, single submitter. Criteria: Ambry Variant Classification Scheme 2023. Collection method: clinical testing. Allele origin: germline.
Comment: The p.N812S variant (also known as c.2435A>G) is located in coding exon 16 of the CBL gene. The asparagine at codon 812 is replaced by serine, an amino acid with highly similar properties. This change occurs in the first base pair of coding exon 16. This amino acid position is conserved. In addition, this alteration is predicted to be tolerated by in silico analysis. Based on the available evidence, the clinical significance of this variant remains unclear.